The following is an entry in ClinVar:

ClinVar aggregate classification (germline): Uncertain significance. Review status: reviewed by expert panel (3 of 4 stars). 10 submissions from 10 submitters: Uncertain significance (1). 9 of the submissions do not count toward it. Last evaluated 2026-07-21.

Conditions:
Glycogen storage disease, type II (IOPD). Also called: GAA DEFICIENCY, INFANTILE-ONSET; ACID MALTASE DEFICIENCY, INFANTILE-ONSET; GLYCOGENOSIS, GENERALIZED, CARDIAC FORM; GSD II; POMPE DISEASE, INFANTILE-ONSET; GLYCOGEN STORAGE DISEASE II, INFANTILE-ONSET. Identifiers: Orphanet 365, MedGen C0017921, MONDO:0009290, OMIM 232300.
Cardiovascular phenotype. Identifiers: MedGen CN230736.

Allele frequency attached by ClinVar (database versions not stated): ExAC 0.00009; gnomAD 0.00017; TOPMed 0.00012; gnomAD exomes 0.00021.
gnomAD v4.1: 325 of 1,612,394 alleles (0.02%); highest among the groups gnomAD compares: Non-Finnish European, 0.026%; no homozygotes.

Submissions (10):

ClinGen Lysosomal Storage Disorder Variant Curation Expert Panel
Classification: Uncertain significance for Glycogen storage disease, type II. Last evaluated: 2026-07-21. Review status: reviewed by expert panel. Criteria: clingen_lsd_acmg_specifications_v2-1. Collection method: curation. Allele origin: germline. Inheritance: Autosomal recessive inheritance.
Comment: The NM_000152.5:c.131G>T variant in GAA is predicted to result in the substitution of glycine by valine at amino acid 44 (p.Gly44Val). The highest population minor allele frequency in gnomAD v4.1.0 is 0.00026 (306/1179778 alleles) in the European non-Finnish population, which is lower than the ClinGen LD VCEP’s threshold for PM2_Supporting (<0.001), meeting this criterion (PM2_Supporting). The computational predictor REVEL gives a score of 0.245 which is below the threshold of 0.5, evidence that does not predict a damaging effect on GAA function. No impact on splicing is predicted by SpliceAI (BP4). To our knowledge, this variant has not been reported in the literature in individuals with Pompe disease, and the results of functional studies are not available. There is a ClinVar entry for this variant (Variation ID: 325774). In summary, this variant meets the criteria to be classified as a variant of uncertain significance for Pompe disease. GAA-specific ACMG/AMP criteria applied, as specified by the ClinGen Lysosomal Diseases VCEP (Specifications Version 2.0.0): PM2_Supporting, BP4. (Classification approved by the ClinGen Lysosomal Diseases VCEP on July 21, 2026).

Ambry Genetics
Classification: Uncertain significance for Cardiovascular phenotype. Last evaluated: 2026-02-03. Review status: criteria provided, single submitter. Criteria: Ambry Variant Classification Scheme 2023. Collection method: clinical testing. Allele origin: germline. Not counted in ClinVar's aggregate classification.
Comment: The p.G44V variant (also known as c.131G>T), located in coding exon 1 of the GAA gene, results from a G to T substitution at nucleotide position 131. The glycine at codon 44 is replaced by valine, an amino acid with dissimilar properties. This amino acid position is poorly conserved in available vertebrate species. In addition, this alteration is predicted to be tolerated by in silico analysis. Based on the available evidence, the clinical significance of this variant remains unclear.

Labcorp Genetics (formerly Invitae), Labcorp
Classification: Likely benign for Glycogen storage disease, type II. Last evaluated: 2026-02-01. Review status: criteria provided, single submitter. Criteria: Invitae Variant Classification Sherloc (09022015). Collection method: clinical testing. Allele origin: germline. Not counted in ClinVar's aggregate classification.

Mayo Clinic Laboratories, Mayo Clinic
Classification: Uncertain significance. Last evaluated: 2025-06-13. Review status: criteria provided, single submitter. Criteria: ACMG Guidelines, 2015. Collection method: clinical testing. Allele origin: germline. Observed: 7 variant alleles. Not counted in ClinVar's aggregate classification.
Comment: BP4, PM2_supporting

GeneDx
Classification: Uncertain significance. Last evaluated: 2025-02-01. Review status: criteria provided, single submitter. Criteria: GeneDx Variant Classification Process June 2021. Collection method: clinical testing. Allele origin: germline. Affected: yes. Not counted in ClinVar's aggregate classification.
Comment: Has not been previously published as pathogenic or benign to our knowledge; In silico analysis indicates that this missense variant does not alter protein structure/function

Blueprint Genetics
Classification: Likely benign. Last evaluated: 2024-10-24. Review status: criteria provided, single submitter. Criteria: ACMG Guidelines, 2015. Collection method: clinical testing. Allele origin: germline. Not counted in ClinVar's aggregate classification.

Revvity Omics, Revvity
Classification: Uncertain significance. Last evaluated: 2024-03-04. Review status: criteria provided, single submitter. Criteria: ACMG Guidelines, 2015. Collection method: clinical testing. Allele origin: germline. Not counted in ClinVar's aggregate classification.

Fulgent Genetics
Classification: Uncertain significance for Glycogen storage disease, type II. Last evaluated: 2021-11-01. Review status: criteria provided, single submitter. Criteria: ACMG Guidelines, 2015. Collection method: clinical testing. Allele origin: unknown. Not counted in ClinVar's aggregate classification.

Stanford Center for Inherited Cardiovascular Disease, Stanford University
Classification: Uncertain significance. Last evaluated: 2017-09-07. Review status: criteria provided, single submitter. Criteria: ACMG Guidelines, 2015. Collection method: provider interpretation. Allele origin: germline. Not counted in ClinVar's aggregate classification.

Natera, Inc.
Classification: Uncertain significance for Glycogen storage disease type II. Last evaluated: 2020-01-24. Review status: no assertion criteria provided. Collection method: clinical testing. Allele origin: germline. Not counted in ClinVar's aggregate classification.

NM_000152.5(GAA):c.131G>T (p.Gly44Val)

Gene: GAA (alpha glucosidase; plus strand). Cytogenetic location: 17q25.3.
Variant type: single nucleotide variant.
Coding change: c.131G>T on transcript NM_000152.5 (MANE Select); coding-DNA position 131, G replaced by T.
Protein change: p.Gly44Val; replaces glycine 44 with valine.
Molecular consequence: missense variant.
Genome position (GRCh38, 1-based): chr17:80,104,717, G>T. VCF-style: chr17-80104717-G-T. GRCh37 (hg19) VCF-style: chr17-78078516-G-T.
Other names: c.131G>T (LRG_673t1, NM_001079803.2); c.131G>T, p.Gly44Val (NM_001079803.3, NM_001079804.3); short protein forms G44V.
Identifiers: ClinVar variation 325774 (VCV000325774.38), dbSNP rs550609502, ClinGen allele CA8814793.